The following is an entry in ClinVar:

ClinVar aggregate classification (germline): Conflicting classifications of pathogenicity. Review status: criteria provided, conflicting classifications (1 of 4 stars). 5 submissions from 5 submitters: Uncertain significance (3); Likely benign (1). 1 of the submissions does not count toward it. Last evaluated 2026-02-15.

Conditions:
Propionic acidemia (PROP). Also called: GLYCINEMIA, KETOTIC; HYPERGLYCINEMIA WITH KETOACIDOSIS AND LEUKOPENIA; KETOTIC HYPERGLYCINEMIA. Identifiers: Orphanet 35, MedGen C0268579, MONDO:0011628, OMIM 606054, HP:0003571.

Allele frequency attached by ClinVar (database versions not stated): gnomAD 0.00002 and 0.00009; 1000 Genomes Project 0.00060; gnomAD exomes 0.00017 and 0.00029; 1000 Genomes Project 30x 0.00047; TOPMed 0.00003; ExAC 0.00030.
gnomAD v4.1: 261 of 1,613,874 alleles (0.016%); highest among the groups gnomAD compares: Middle Eastern, 0.23%; 3 homozygotes.

Submissions (5):

GeneDx
Classification: Uncertain significance. Last evaluated: 2026-02-15. Review status: criteria provided, single submitter. Criteria: GeneDx Variant Classification Process June 2021. Collection method: clinical testing. Allele origin: germline.
Comment: In silico analysis supports that this missense variant has a deleterious effect on protein structure/function; Has not been previously published as pathogenic or benign to our knowledge

Labcorp Genetics (formerly Invitae), Labcorp
Classification: Likely benign for Propionic acidemia. Last evaluated: 2026-01-25. Review status: criteria provided, single submitter. Criteria: Invitae Variant Classification Sherloc (09022015). Collection method: clinical testing. Allele origin: germline.

Genomic Research Center, Shahid Beheshti University of Medical Sciences
Classification: Uncertain significance for Propionyl-CoA carboxylase deficiency. Last evaluated: 2019-01-01. Review status: criteria provided, single submitter. Criteria: ACMG Guidelines, 2015. Collection method: clinical testing. Allele origin: unknown. Affected: no. Observed: 1 variant allele.

Illumina Laboratory Services, Illumina
Classification: Uncertain significance for Propionic acidemia. Last evaluated: 2017-04-27. Review status: criteria provided, single submitter. Criteria: ICSL Variant Classification Criteria 13 December 2019. Collection method: clinical testing. Allele origin: germline.

Natera, Inc.
Classification: Likely benign for Propionic acidemia. Last evaluated: 2020-09-16. Review status: no assertion criteria provided. Collection method: clinical testing. Allele origin: germline. Not counted in ClinVar's aggregate classification.

NM_000532.5(PCCB):c.889C>T (p.Arg297Cys)

Gene: PCCB (propionyl-CoA carboxylase subunit beta; plus strand). Cytogenetic location: 3q22.3.
Variant type: single nucleotide variant.
Coding change: c.889C>T on transcript NM_000532.5 (MANE Select); coding-DNA position 889, C replaced by T.
Protein change: p.Arg297Cys; replaces arginine 297 with cysteine.
Molecular consequence: missense variant.
Genome position (GRCh38, 1-based): chr3:136,301,034, C>T. VCF-style: chr3-136301034-C-T. GRCh37 (hg19) VCF-style: chr3-136019876-C-T.
Other names: c.949C>T, p.Arg317Cys (NM_001178014.2); short protein forms R297C, R317C.
Identifiers: ClinVar variation 634438 (VCV000634438.23), dbSNP rs549397464, ClinGen allele CA2631926.